The following is an entry in ClinVar:

ClinVar aggregate classification (germline): Uncertain significance. Review status: criteria provided, multiple submitters, no conflicts (2 of 4 stars). 2 submissions from 2 submitters: Uncertain significance (2). Last evaluated 2024-01-04.

Conditions:
Inborn genetic diseases. Identifiers: MedGen C0950123, MeSH D030342.

Submissions (2):

GeneDx
Classification: Uncertain significance. Last evaluated: 2024-01-04. Review status: criteria provided, single submitter. Criteria: GeneDx Variant Classification Process June 2021. Collection method: clinical testing. Allele origin: germline. Affected: yes.
Comment: Not observed at significant frequency in large population cohorts (gnomAD); In silico analysis supports that this missense variant does not alter protein structure/function; Has not been previously published as pathogenic or benign to our knowledge

Ambry Genetics
Classification: Uncertain significance for Inborn genetic diseases. Last evaluated: 2023-12-20. Review status: criteria provided, single submitter. Criteria: Ambry Variant Classification Scheme 2023. Collection method: clinical testing. Allele origin: germline.

NM_001378778.1(MPDZ):c.3327G>A (p.Met1109Ile)

Gene: MPDZ (multiple PDZ domain crumbs cell polarity complex component; minus strand). Cytogenetic location: 9p23.
Variant type: single nucleotide variant.
Coding change: c.3327G>A on transcript NM_001378778.1 (MANE Select); coding-DNA position 3327, G replaced by A.
Protein change: p.Met1109Ile; replaces methionine 1109 with isoleucine.
Molecular consequence: missense variant. On other transcripts: intron variant (1).
Genome position (GRCh38, 1-based): chr9:13,162,723, C>T on the plus strand (G>A on the coding strand, the complement: MPDZ is on the minus strand). VCF-style: chr9-13162723-C-T. GRCh37 (hg19) VCF-style: chr9-13162722-C-T.
Other names: c.3327G>A, p.Met1109Ile (NM_001261406.2, NM_001261407.2, NM_001330637.2 and 13 more transcripts); c.3254+5643G>A (NM_001375427.1); c.3327G>A (NM_003829.4); short protein forms M1109I.
Identifiers: ClinVar variation 3201372 (VCV003201372.2), dbSNP rs367937644, ClinGen allele CA4987167.